The following is an entry in ClinVar:

NM_000090.4(COL3A1):c.2500G>A (p.Gly834Ser)

Gene: COL3A1 (collagen type III alpha 1 chain; plus strand). Cytogenetic location: 2q32.2.
Variant type: single nucleotide variant.
Coding change: c.2500G>A on transcript NM_000090.4 (MANE Select); coding-DNA position 2500, G replaced by A.
Protein change: p.Gly834Ser; replaces glycine 834 with serine.
Molecular consequence: missense variant.
Genome position (GRCh38, 1-based): chr2:189,003,009, G>A. VCF-style: chr2-189003009-G-A. GRCh37 (hg19) VCF-style: chr2-189867735-G-A.
Other names: short protein forms G834S.
Identifiers: ClinVar variation 1703442 (VCV001703442.2), dbSNP rs2153503381, ClinGen allele CA349842809.

ClinVar aggregate classification (germline): Pathogenic (1 of 4 stars; one submission).

Submission:

GeneDx
Classification: Pathogenic. Last evaluated: 2022-08-23. Review status: criteria provided, single submitter. Criteria: GeneDx Variant Classification Process June 2021. Collection method: clinical testing. Allele origin: germline. Affected: yes.
Comment: Occurs in the triple helical domain and replaces the glycine in the canonical Gly-X-Y repeat; missense substitution of a canonical glycine residue is expected to disrupt normal protein folding and function, and this is an established mechanism of disease (HGMD); Not observed at significant frequency in large population cohorts (gnomAD); In silico analysis supports that this missense variant has a deleterious effect on protein structure/function; Has not been previously published as pathogenic or benign to our knowledge; This variant is associated with the following publications: (PMID: 9036918, 10706896)